The following is an entry in ClinVar:

NM_001077350.3(NPRL3):c.1258G>C (p.Glu420Gln)

Genes: HBA-LCR (alpha-globin locus control region; plus strand), NPRL3 (NPR3 like, GATOR1 complex subunit; minus strand). Cytogenetic location: 16p13.3.
Variant type: single nucleotide variant.
Coding change: c.1258G>C on transcript NM_001077350.3 (MANE Select); coding-DNA position 1258, G replaced by C.
Protein change: p.Glu420Gln; replaces glutamic acid 420 with glutamine.
Molecular consequence: missense variant.
Genome position (GRCh38, 1-based): chr16:89,806, C>G on the plus strand (G>C on the coding strand, the complement: NPRL3 is on the minus strand). VCF-style: chr16-89806-C-G. GRCh37 (hg19) VCF-style: chr16-139804-C-G.
Other names: c.721G>C, p.Glu241Gln (NM_001039476.3); c.1024G>C, p.Glu342Gln (NM_001243247.2); c.1183G>C, p.Glu395Gln (NM_001243248.2, NM_001243249.2); short protein forms E342Q, E420Q, E241Q, E395Q.
Identifiers: ClinVar variation 2195272 (VCV002195272.4), dbSNP rs374777389, ClinGen allele CA7769400.

ClinVar aggregate classification (germline): Uncertain significance (1 of 4 stars; one submission).

Conditions:
Epilepsy, familial focal, with variable foci 3 (FFEVF3). Identifiers: MedGen C4310708, MONDO:0014925, OMIM 617118.

Allele frequency attached by ClinVar (database versions not stated): gnomAD exomes below 0.00001; ExAC 0.00003; ESP Exome Variant Server 0.00008.
gnomAD v4.1: 5 of 1,595,676 alleles (0.00031%); highest among the groups gnomAD compares: Admixed American, 0.0052%; no homozygotes.

Submission:

Labcorp Genetics (formerly Invitae), Labcorp
Classification: Uncertain significance for Epilepsy, familial focal, with variable foci 3. Last evaluated: 2024-01-02. Review status: criteria provided, single submitter. Criteria: Invitae Variant Classification Sherloc (09022015). Collection method: clinical testing. Allele origin: germline.
Comment: This sequence change replaces glutamic acid, which is acidic and polar, with glutamine, which is neutral and polar, at codon 420 of the NPRL3 protein (p.Glu420Gln). This variant is present in population databases (rs374777389, gnomAD 0.007%). This variant has not been reported in the literature in individuals affected with NPRL3-related conditions. ClinVar contains an entry for this variant (Variation ID: 2195272). Advanced modeling of protein sequence and biophysical properties (such as structural, functional, and spatial information, amino acid conservation, physicochemical variation, residue mobility, and thermodynamic stability) performed at Invitae indicates that this missense variant is not expected to disrupt NPRL3 protein function with a negative predictive value of 80%. In summary, the available evidence is currently insufficient to determine the role of this variant in disease. Therefore, it has been classified as a Variant of Uncertain Significance.